The following is an entry in ClinVar:

ClinVar aggregate classification (germline): Uncertain significance. Review status: criteria provided, multiple submitters, no conflicts (2 of 4 stars). 2 submissions from 2 submitters: Uncertain significance (2). Last evaluated 2025-08-29.

Allele frequency attached by ClinVar (database versions not stated): TOPMed 0.00002; gnomAD 0.00001.
gnomAD v4.1: 16 of 1,614,062 alleles (0.00099%); highest among the groups gnomAD compares: South Asian, 0.0044%; no homozygotes.

Submissions (2):

Labcorp Genetics (formerly Invitae), Labcorp
Classification: Uncertain significance. Last evaluated: 2025-08-29. Review status: criteria provided, single submitter. Criteria: Invitae Variant Classification Sherloc (09022015). Collection method: clinical testing. Allele origin: germline.
Comment: This sequence change replaces threonine, which is neutral and polar, with methionine, which is neutral and non-polar, at codon 1537 of the COL4A1 protein (p.Thr1537Met). This variant is present in population databases (rs763554089, gnomAD 0.005%). This variant has not been reported in the literature in individuals affected with COL4A1-related conditions. ClinVar contains an entry for this variant (Variation ID: 2958313). Invitae Evidence Modeling of protein sequence and biophysical properties (such as structural, functional, and spatial information, amino acid conservation, physicochemical variation, residue mobility, and thermodynamic stability) indicates that this missense variant is not expected to disrupt COL4A1 protein function with a negative predictive value of 95%. In summary, the available evidence is currently insufficient to determine the role of this variant in disease. Therefore, it has been classified as a Variant of Uncertain Significance.

Revvity Omics, Revvity
Classification: Uncertain significance. Last evaluated: 2024-01-23. Review status: criteria provided, single submitter. Criteria: ACMG Guidelines, 2015. Collection method: clinical testing. Allele origin: germline.

NM_001845.6(COL4A1):c.4610C>T (p.Thr1537Met)

Gene: COL4A1 (collagen type IV alpha 1 chain; minus strand). Cytogenetic location: 13q34.
Variant type: single nucleotide variant.
Coding change: c.4610C>T on transcript NM_001845.6 (MANE Select); coding-DNA position 4610, C replaced by T.
Protein change: p.Thr1537Met; replaces threonine 1537 with methionine.
Molecular consequence: missense variant.
Genome position (GRCh38, 1-based): chr13:110,161,222, G>A on the plus strand (C>T on the coding strand, the complement: COL4A1 is on the minus strand). VCF-style: chr13-110161222-G-A. GRCh37 (hg19) VCF-style: chr13-110813569-G-A.
Other names: short protein forms T1537M.
Identifiers: ClinVar variation 2958313 (VCV002958313.4), dbSNP rs763554089, ClinGen allele CA7046888.